The following is an entry in ClinVar:

ClinVar aggregate classification (germline): Uncertain significance. Review status: criteria provided, multiple submitters, no conflicts (2 of 4 stars). 3 submissions from 3 submitters: Uncertain significance (3). Last evaluated 2025-07-17.

Conditions:
Hereditary cancer-predisposing syndrome. Also called: Tumor predisposition; Hereditary Cancer Syndrome; Neoplastic Syndromes, Hereditary; Hereditary neoplastic syndrome. Identifiers: Orphanet 140162, MedGen C0027672, MeSH D009386, MONDO:0015356.
POLE-related disorder. Also called: POLE-related disorders; POLE-related condition.

Submissions (3):

PreventionGenetics, part of Exact Sciences
Classification: Uncertain significance for POLE-related condition. Last evaluated: 2025-07-17. Review status: criteria provided, single submitter. Criteria: ACMG Guidelines, 2015. Collection method: clinical testing. Allele origin: germline.
Comment: The POLE c.3154_3156delinsGCA variant is predicted to result in an in-frame deletion and insertion. To our knowledge, this variant has not been reported in the literature or in a large population database (gnomAD), indicating this variant is rare. This variant is interpreted as variant of uncertain significance in ClinVar. At this time, the clinical significance of this variant is uncertain due to the absence of conclusive functional and genetic evidence.

Ambry Genetics
Classification: Uncertain significance for Hereditary cancer-predisposing syndrome. Last evaluated: 2024-12-10. Review status: criteria provided, single submitter. Criteria: Ambry Variant Classification Scheme 2023. Collection method: clinical testing. Allele origin: germline.
Comment: The c.3154_3156delACGinsGCA variant (also known as p.T1052A), located in coding exon 26 of the POLE gene, results from an in-frame deletion of ACG and insertion of GCA at nucleotide positions 3154 to 3156. This results in the substitution of the threonine residue for an alanine residue at codon 1052, an amino acid with similar properties. This amino acid position is highly conserved in available vertebrate species. In addition, the in silico prediction for this alteration is inconclusive (Choi Y et al. PLoS ONE. 2012; 7(10):e46688). Based on the available evidence, the clinical significance of this variant remains unclear.

GeneDx
Classification: Uncertain significance. Last evaluated: 2023-11-30. Review status: criteria provided, single submitter. Criteria: GeneDx Variant Classification Process June 2021. Collection method: clinical testing. Allele origin: germline.
Comment: Not observed at significant frequency in large population cohorts (gnomAD); In silico analysis supports a deleterious effect on protein structure/function; Has not been previously published as pathogenic or benign to our knowledge

NM_006231.4(POLE):c.3154_3156delinsGCA (p.Thr1052Ala)

Gene: POLE (DNA polymerase epsilon, catalytic subunit; minus strand). Cytogenetic location: 12q24.33.
Variant type: Indel.
Coding change: c.3154_3156delinsGCA on transcript NM_006231.4 (MANE Select); coding-DNA positions 3154 to 3156, ACG replaced by GCA.
Protein change: p.Thr1052Ala; replaces threonine 1052 with alanine.
Molecular consequence: missense variant.
Genome position (GRCh38, 1-based): chr12:132,659,414-132,659,416, CGT replaced by TGC on the plus strand (ACG replaced by GCA on the coding strand, the reverse complement: POLE is on the minus strand). VCF-style: chr12-132659414-CGT-TGC. GRCh37 (hg19) VCF-style: chr12-133236000-CGT-TGC.
Other names: c.3154_3156delACGinsGCA, p.Thr1052Ala (NM_006231.3); c.3154_3156delinsGCA (NM_006231.3); c.3154_3156delACGinsGCA (NM_006231.2); short protein forms T1052A.
Identifiers: ClinVar variation 2503211 (VCV002503211.4), dbSNP rs2542025579, ClinGen allele CA2580614609.
Genomic context (GRCh38, chr12:132,659,414, plus strand): 5'-TGCATCCTTGACCATCTGGTCTCCCAGGAACTCGGCCAGGCGCTTTGCTGTGCTGATGGA[CGT>TGC]AGACTTCTGCTCCCCGTAATCTTCCAGCTTCCGAGACATGGAACGGTTCTCAGAGATGAG-3'
Protein context (NP_006222.2, residues 1042-1062): KLEDYGEQKS[Thr1052Ala]SISTAKRLAE